The following is an entry in ClinVar:

ClinVar aggregate classification (germline): Uncertain significance (1 of 4 stars; one submission).

Conditions:
Cardiovascular phenotype. Identifiers: MedGen CN230736.

Allele frequency attached by ClinVar (database versions not stated): gnomAD exomes below 0.00001; ExAC 0.00001; gnomAD 0.00001; TOPMed 0.00002.
gnomAD v4.1: 4 of 1,612,860 alleles (0.00025%); highest among the groups gnomAD compares: African/African-American, 0.0053%; no homozygotes.

Submission:

Ambry Genetics
Classification: Uncertain significance for Cardiovascular phenotype. Last evaluated: 2019-04-01. Review status: criteria provided, single submitter. Criteria: Ambry Variant Classification Scheme 2023. Collection method: clinical testing. Allele origin: germline.
Comment: The p.F5345L variant (also known as c.16035C>A), located in coding exon 62 of the TTN gene, results from a C to A substitution at nucleotide position 16035. The phenylalanine at codon 5345 is replaced by leucine, an amino acid with highly similar properties. This amino acid position is highly conserved in available vertebrate species. In addition, this alteration is predicted to be tolerated by in silico analysis. Since supporting evidence is limited at this time, the clinical significance of this alteration remains unclear.

NM_001267550.2(TTN):c.43230C>A (p.Phe14410Leu)

Gene: TTN (titin; minus strand). Cytogenetic location: 2q31.2.
Variant type: single nucleotide variant.
Coding change: c.43230C>A on transcript NM_001267550.2 (MANE Select); coding-DNA position 43230, C replaced by A.
Protein change: p.Phe14410Leu; replaces phenylalanine 14410 with leucine.
Molecular consequence: missense variant.
Genome position (GRCh38, 1-based): chr2:178,632,776, G>T on the plus strand (C>A on the coding strand, the complement: TTN is on the minus strand). VCF-style: chr2-178632776-G-T. GRCh37 (hg19) VCF-style: chr2-179497503-G-T.
Other names: c.38307C>A, p.Phe12769Leu (NM_001256850.1); c.16035C>A, p.Phe5345Leu (NM_003319.4); c.35526C>A, p.Phe11842Leu (NM_133378.4); c.16410C>A, p.Phe5470Leu (NM_133432.3); c.16611C>A, p.Phe5537Leu (NM_133437.4); short protein forms F5345L, F14410L, F5537L, F11842L, F12769L, F5470L.
Identifiers: ClinVar variation 1776215 (VCV001776215.2), dbSNP rs759684544, ClinGen allele CA1995907.